The following is an entry in ClinVar:

NM_001128126.3(AP4S1):c.306+4297G>C

Gene: AP4S1 (adaptor related protein complex 4 subunit sigma 1; plus strand). Cytogenetic location: 14q12.
Variant type: single nucleotide variant.
Coding change: c.306+4297G>C on transcript NM_001128126.3 (MANE Select); 4297 bases into the intron after coding-DNA position 306, G replaced by C.
Molecular consequence: intron variant. On other transcripts: stop lost (2), 3 prime UTR variant (1).
Genome position (GRCh38, 1-based): chr14:31,084,881, G>C. VCF-style: chr14-31084881-G-C. GRCh37 (hg19) VCF-style: chr14-31554087-G-C.
Other names: c.407G>C, p.Ter136Ser (NM_001254726.2); c.*151G>C (NM_001254727.2); c.479G>C, p.Ter160Ser (NM_007077.5); c.306+4297G>C (NM_001254729.2, NM_001254728.2).
Identifiers: ClinVar variation 1948789 (VCV001948789.5), dbSNP rs1235078176, ClinGen allele CA389363098.

ClinVar aggregate classification (germline): Uncertain significance (1 of 4 stars; one submission).

Conditions:
Spastic paraplegia. Identifiers: MedGen C0037772, HP:0001258.

Allele frequency attached by ClinVar (database versions not stated): gnomAD exomes below 0.00001; TOPMed below 0.00001.
gnomAD v4.1: 1 of 1,614,184 alleles (0.000062%); highest among the groups gnomAD compares: Non-Finnish European, 0.000085%; no homozygotes.

Submission:

Labcorp Genetics (formerly Invitae), Labcorp
Classification: Uncertain significance for Spastic paraplegia. Last evaluated: 2025-08-18. Review status: criteria provided, single submitter. Criteria: Invitae Variant Classification Sherloc (09022015). Collection method: clinical testing. Allele origin: germline.
Comment: This sequence change disrupts the translational stop signal of the AP4S1 mRNA. It is expected to extend the length of the AP4S1 protein by 8 additional amino acid residues. This variant is not present in population databases (gnomAD no frequency). This variant has not been reported in the literature in individuals affected with AP4S1-related conditions. ClinVar contains an entry for this variant (Variation ID: 1948789). Experimental studies and prediction algorithms are not available or were not evaluated, and the functional significance of this variant is currently unknown. In summary, the available evidence is currently insufficient to determine the role of this variant in disease. Therefore, it has been classified as a Variant of Uncertain Significance.